The following is an entry in ClinVar:

NM_016929.5(CLIC5):c.535del (p.Asp179fs)

Gene: CLIC5 (chloride intracellular channel 5; minus strand). Cytogenetic location: 6p21.1.
Variant type: Deletion.
Coding change: c.535del on transcript NM_016929.5 (MANE Select); coding-DNA position 535, one base deleted (G; older notation c.535delG).
Protein change: p.Asp179fs; shifts the reading frame from aspartic acid 179.
Molecular consequence: frameshift variant. On other transcripts: non-coding transcript variant (3).
Genome position (GRCh38, 1-based): chr6:45,914,281, C deleted on the plus strand (G on the coding strand, the reverse complement: CLIC5 is on the minus strand); the first of 4 consecutive C bases (chr6:45,914,281-45,914,284); deleting any one gives the same sequence. VCF-style (leftmost placement, unchanged base first): chr6-45914280-TC-T. GRCh37 (hg19) VCF-style: chr6-45882017-TC-T.
Other names: c.1012del, p.Asp338fs (NM_001114086.2, NM_001370650.1); c.535del, p.Asp179fs (NM_001256023.2); c.418del, p.Asp140fs (NM_001370649.1); short protein forms D140fs, D179fs, D338fs.
Identifiers: ClinVar variation 3601021 (VCV003601021.1).
Genomic context (GRCh38, chr6:45,914,280, plus strand): 5'-TCTCTTACCTTGACCACATGGAGCTTGGGCAACAGATTGCAGTCAGCCAGGGTCAGCTCA[TC>T]CCCATCCAGGAACTTGCGCCGGGACCCCTTGTCTTCCCCACAAGTGTTGGCGTCAATCTC-3'

ClinVar aggregate classification (germline): Pathogenic (1 of 4 stars; one submission).

Conditions:
Autosomal recessive nonsyndromic hearing loss 103. Also called: Deafness, autosomal recessive 103. Identifiers: Orphanet 90636, MedGen C4015050, MONDO:0014469, OMIM 616042.

Submission:

Institute of Rare Diseases, West China Hospital, Sichuan University
Classification: Pathogenic for Autosomal recessive nonsyndromic hearing loss 103. Last evaluated: 2025-01-09. Review status: criteria provided, single submitter. Criteria: ClinGen HL ACMG Specifications v1. Collection method: research. Allele origin: germline. Affected: yes.
Comment: PVS1;PM3_Supporting;PM2_Supporting